The following is an entry in ClinVar:

ClinVar aggregate classification (germline): Uncertain significance (1 of 4 stars; one submission).

Conditions:
Ehlers-Danlos syndrome, classic type, 1 (EDSCL1). Also called: EHLERS-DANLOS SYNDROME, GRAVIS TYPE; EHLERS-DANLOS SYNDROME, SEVERE CLASSIC TYPE; Ehlers-Danlos syndrome, type 1; Ehlers-Danlos Syndrome, Classic Type, COL5A1-Related; EDS I. Identifiers: MedGen C0268335, MONDO:0019567, OMIM 130000.
Osteogenesis imperfecta type I (OI1). Also called: OI, TYPE I; OSTEOGENESIS IMPERFECTA TARDA; OSTEOGENESIS IMPERFECTA WITH BLUE SCLERAE; Osteogenesis imperfecta type 1; Lobstein's Disease; Lobstein disease. Identifiers: Orphanet 216796, Orphanet 666, MedGen C0023931, MONDO:0008146, OMIM 166200. Disease mechanism: loss of function.

Submission:

Labcorp Genetics (formerly Invitae), Labcorp
Classification: Uncertain significance for Osteogenesis imperfecta type I; Ehlers-Danlos syndrome, classic type, 1. Last evaluated: 2024-04-20. Review status: criteria provided, single submitter. Criteria: Invitae Variant Classification Sherloc (09022015). Collection method: clinical testing. Allele origin: germline.
Comment: This sequence change falls in intron 3 of the COL1A2 gene. It does not directly change the encoded amino acid sequence of the COL1A2 protein. It affects a nucleotide within the consensus splice site. This variant is not present in population databases (gnomAD no frequency). This variant has not been reported in the literature in individuals affected with COL1A2-related conditions. Variants that disrupt the consensus splice site are a relatively common cause of aberrant splicing (PMID: 17576681, 9536098). Algorithms developed to predict the effect of sequence changes on RNA splicing suggest that this variant may disrupt the consensus splice site. In summary, the available evidence is currently insufficient to determine the role of this variant in disease. Therefore, it has been classified as a Variant of Uncertain Significance.

Literature cited by the submitters: PubMed 17576681; PubMed 9536098.

NM_000089.4(COL1A2):c.96+5G>C

Gene: COL1A2 (collagen type I alpha 2 chain; plus strand). Cytogenetic location: 7q21.3.
Variant type: single nucleotide variant.
Coding change: c.96+5G>C on transcript NM_000089.4 (MANE Select); 5 bases into the intron after coding-DNA position 96, G replaced by C.
Molecular consequence: intron variant.
Genome position (GRCh38, 1-based): chr7:94,398,401, G>C. VCF-style: chr7-94398401-G-C. GRCh37 (hg19) VCF-style: chr7-94027713-G-C.
Identifiers: ClinVar variation 3750684 (VCV003750684.2).